The following is an entry in ClinVar:

ClinVar aggregate classification (germline): Likely benign. Review status: criteria provided, multiple submitters, no conflicts (2 of 4 stars). 3 submissions from 3 submitters: Likely benign (3). Last evaluated 2026-01-19.

Allele frequency attached by ClinVar (database versions not stated): ExAC 0.00001; gnomAD exomes 0.00003; gnomAD 0.00007 and 0.00008; TOPMed 0.00015.

Submissions (3):

Labcorp Genetics (formerly Invitae), Labcorp
Classification: Likely benign. Last evaluated: 2026-01-19. Review status: criteria provided, single submitter. Criteria: Invitae Variant Classification Sherloc (09022015). Collection method: clinical testing. Allele origin: germline.

Blueprint Genetics
Classification: Likely benign. Last evaluated: 2024-11-26. Review status: criteria provided, single submitter. Criteria: ACMG Guidelines, 2015. Collection method: clinical testing. Allele origin: germline.

Laboratory for Molecular Medicine, Mass General Brigham Personalized Medicine
Classification: Likely benign. Last evaluated: 2011-12-12. Review status: criteria provided, single submitter. Criteria: LMM Criteria. Collection method: clinical testing. Allele origin: germline. Observed: 1 variant allele.
Comment: Thr340Thr in exon 10 of TMPRSS3: This variant is not expected to have clinical s ignificance because it does not alter an amino acid residue and is not located w ithin the splice consensus sequence.

NM_001256317.3(TMPRSS3):c.1020G>A (p.Thr340=)

Gene: TMPRSS3 (transmembrane serine protease 3; minus strand). Cytogenetic location: 21q22.3.
Variant type: single nucleotide variant.
Coding change: c.1020G>A on transcript NM_001256317.3 (MANE Select); coding-DNA position 1020, G replaced by A.
Protein change: p.Thr340=; no amino-acid change (threonine 340 retained).
Molecular consequence: synonymous variant.
Genome position (GRCh38, 1-based): chr21:42,380,145, C>T on the plus strand (G>A on the coding strand, the complement: TMPRSS3 is on the minus strand). VCF-style: chr21-42380145-C-T. GRCh37 (hg19) VCF-style: chr21-43800254-C-T.
Other names: c.1020G>A, p.Thr340= (NM_024022.4); c.639G>A, p.Thr213= (NM_032404.3).
Identifiers: ClinVar variation 46092 (VCV000046092.10), dbSNP rs374149338, ClinGen allele CA137670.
Genomic context (GRCh38, chr21:42,380,145, plus strand): 5'-TGGACTCCGAATCTTGGCTTCAGCCCACTGACCTCCATCCTCTGTGGCCCCCCATCCTGA[C>T]GTCCAGCACACTTTTCCATCGGGGAAGTTCTCTTCAGAGTTGGGCAGGCACACAGGCTGG-3'
Protein context (NP_001243246.1, residues 330-350): ENFPDGKVCW[Thr340=]SGWGATEDGG